The following is an entry in ClinVar:

ClinVar aggregate classification (germline): Conflicting classifications of pathogenicity. Review status: criteria provided, conflicting classifications (1 of 4 stars). 3 submissions from 3 submitters: Uncertain significance (2); Likely benign (1). Last evaluated 2024-09-08.

Conditions:
Hereditary cancer-predisposing syndrome. Also called: Hereditary Cancer Syndrome; Neoplastic Syndromes, Hereditary; Hereditary neoplastic syndrome; Tumor predisposition. Identifiers: Orphanet 140162, MedGen C0027672, MeSH D009386, MONDO:0015356.
Cardiovascular phenotype. Identifiers: MedGen CN230736.
Neurofibromatosis, type 1 (NF1). Also called: Peripheral type neurofibromatosis; Neurofibromatosis, type I; NEUROFIBROMATOSIS, TYPE I, SOMATIC; VON RECKLINGHAUSEN DISEASE. Identifiers: Orphanet 636, MedGen C0027831, MONDO:0018975, OMIM 162200. Disease mechanism: loss of function.

Submissions (3):

Ambry Genetics
Classification: Likely benign for Cardiovascular phenotype; Hereditary cancer-predisposing syndrome. Last evaluated: 2024-09-08. Review status: criteria provided, single submitter. Criteria: Ambry Variant Classification Scheme 2023. Collection method: clinical testing. Allele origin: germline.

Labcorp Genetics (formerly Invitae), Labcorp
Classification: Uncertain significance for Neurofibromatosis, type 1. Last evaluated: 2024-05-22. Review status: criteria provided, single submitter. Criteria: Invitae Variant Classification Sherloc (09022015). Collection method: clinical testing. Allele origin: germline.
Comment: This sequence change replaces isoleucine, which is neutral and non-polar, with valine, which is neutral and non-polar, at codon 44 of the NF1 protein (p.Ile44Val). This variant is not present in population databases (gnomAD no frequency). This variant has not been reported in the literature in individuals affected with NF1-related conditions. ClinVar contains an entry for this variant (Variation ID: 818866). Advanced modeling of protein sequence and biophysical properties (such as structural, functional, and spatial information, amino acid conservation, physicochemical variation, residue mobility, and thermodynamic stability) has been performed at Invitae for this missense variant, however the output from this modeling did not meet the statistical confidence thresholds required to predict the impact of this variant on NF1 protein function. In summary, the available evidence is currently insufficient to determine the role of this variant in disease. Therefore, it has been classified as a Variant of Uncertain Significance.

Genome-Nilou Lab
Classification: Uncertain significance for Neurofibromatosis, type 1. Last evaluated: 2022-03-15. Review status: criteria provided, single submitter. Criteria: ACMG Guidelines, 2015. Collection method: clinical testing. Allele origin: germline. Affected: no.

NM_001042492.3(NF1):c.130A>G (p.Ile44Val)

Gene: NF1 (neurofibromin 1; plus strand). Cytogenetic location: 17q11.2.
Variant type: single nucleotide variant.
Coding change: c.130A>G on transcript NM_001042492.3 (MANE Select); coding-DNA position 130, A replaced by G.
Protein change: p.Ile44Val; replaces isoleucine 44 with valine.
Molecular consequence: missense variant.
Genome position (GRCh38, 1-based): chr17:31,156,052, A>G. VCF-style: chr17-31156052-A-G. GRCh37 (hg19) VCF-style: chr17-29483070-A-G.
Other names: c.130A>G, p.Ile44Val (NM_000267.4, NM_001128147.3); short protein forms I44V.
Identifiers: ClinVar variation 818866 (VCV000818866.10), dbSNP rs1597625982, ClinGen allele CA398988399.